The following is an entry in ClinVar:

ClinVar aggregate classification (germline): Benign. Review status: criteria provided, multiple submitters, no conflicts (2 of 4 stars). 2 submissions from 2 submitters: Benign (2). Last evaluated 2018-06-18.

Allele frequency attached by ClinVar (database versions not stated): gnomAD exomes 0.16120; gnomAD 0.29893 and 0.30414; TOPMed 0.31088; 1000 Genomes Project 0.34704; 1000 Genomes Project 30x 0.35072.
gnomAD v4.1: 207,014 of 1,147,182 alleles (18%); highest among the groups gnomAD compares: African/African-American, 67%; 28,581 homozygotes.

Submissions (2):

GeneDx
Classification: Benign. Last evaluated: 2018-06-18. Review status: criteria provided, single submitter. Criteria: GeneDx Variant Classification (06012015). Collection method: clinical testing. Allele origin: germline. Affected: yes.
Comment: This variant is considered likely benign or benign based on one or more of the following criteria: it is a conservative change, it occurs at a poorly conserved position in the protein, it is predicted to be benign by multiple in silico algorithms, and/or has population frequency not consistent with disease.

Breakthrough Genomics
Classification: Benign. Review status: criteria provided, single submitter. Criteria: ACMG Guidelines, 2015. Collection method: not provided. Allele origin: germline. Inheritance: Autosomal dominant inheritance. Affected: yes.

NM_004333.6(BRAF):c.504+142G>A

Gene: BRAF (B-Raf proto-oncogene, serine/threonine kinase; minus strand). Cytogenetic location: 7q34.
Variant type: single nucleotide variant.
Coding change: c.504+142G>A on transcript NM_004333.6 (MANE Select); 142 bases into the intron after coding-DNA position 504, G replaced by A.
Molecular consequence: intron variant.
Genome position (GRCh38, 1-based): chr7:140,834,467, C>T on the plus strand (G>A on the coding strand, the complement: BRAF is on the minus strand). VCF-style: chr7-140834467-C-T. GRCh37 (hg19) VCF-style: chr7-140534267-C-T.
Other names: c.504+142G>A (NM_001378474.1, NM_001378471.1, NM_001378468.1 and 5 more transcripts); c.402+142G>A (NM_001378470.1); c.240+15644G>A (NM_001378475.1); c.348+142G>A (NM_001378472.1, NM_001378473.1).
Identifiers: ClinVar variation 561363 (VCV000561363.2), dbSNP rs1267623, ClinGen allele CA15492287.